The following is an entry in ClinVar:

NM_001130009.3(GEN1):c.711-20A>G

Gene: GEN1 (GEN1 structure-specific endonuclease; plus strand). Cytogenetic location: 2p24.2.
Variant type: single nucleotide variant.
Coding change: c.711-20A>G on transcript NM_001130009.3 (MANE Select); 20 bases into the intron before coding-DNA position 711, A replaced by G.
Molecular consequence: intron variant.
Genome position (GRCh38, 1-based): chr2:17,771,176, A>G. VCF-style: chr2-17771176-A-G. GRCh37 (hg19) VCF-style: chr2-17952443-A-G.
Other names: c.711-20A>G (NM_182625.5).
Identifiers: ClinVar variation 1394919 (VCV001394919.7), dbSNP rs1342429630, ClinGen allele CA531046757.

ClinVar aggregate classification (germline): Uncertain significance (1 of 4 stars; one submission).

Allele frequency attached by ClinVar (database versions not stated): TOPMed below 0.00001; gnomAD exomes 0.00002.
gnomAD v4.1: 12 of 1,542,660 alleles (0.00078%); highest among the groups gnomAD compares: Non-Finnish European, 0.0011%; no homozygotes.

Submission:

Labcorp Genetics (formerly Invitae), Labcorp
Classification: Uncertain significance. Last evaluated: 2023-07-08. Review status: criteria provided, single submitter. Criteria: Invitae Variant Classification Sherloc (09022015). Collection method: clinical testing. Allele origin: germline.
Comment: This sequence change falls in intron 6 of the GEN1 gene. It does not directly change the encoded amino acid sequence of the GEN1 protein. This variant is present in population databases (no rsID available, gnomAD 0.004%). In summary, the available evidence is currently insufficient to determine the role of this variant in disease. Therefore, it has been classified as a Variant of Uncertain Significance. Algorithms developed to predict the effect of sequence changes on RNA splicing suggest that this variant may disrupt the consensus splice site. ClinVar contains an entry for this variant (Variation ID: 1394919). This variant has not been reported in the literature in individuals affected with GEN1-related conditions.